The following is an entry in ClinVar:

NM_020975.6(RET):c.1688A>G (p.Lys563Arg)

Gene: RET (ret proto-oncogene; plus strand). Cytogenetic location: 10q11.21.
Variant type: single nucleotide variant.
Coding change: c.1688A>G on transcript NM_020975.6 (MANE Select); coding-DNA position 1688, A replaced by G.
Protein change: p.Lys563Arg; replaces lysine 563 with arginine.
Molecular consequence: missense variant.
Genome position (GRCh38, 1-based): chr10:43,112,892, A>G. VCF-style: chr10-43112892-A-G. GRCh37 (hg19) VCF-style: chr10-43608340-A-G.
Other names: c.1688A>G, p.Lys563Arg (NM_000323.2, NM_001406743.1, NM_001406744.1 and 6 more transcripts); c.926A>G, p.Lys309Arg (NM_001355216.2); c.1559A>G, p.Lys520Arg (NM_001406761.1, NM_001406762.1, NM_001406764.1 and 1 more transcripts); c.1400A>G, p.Lys467Arg (NM_001406766.1, NM_001406767.1, NM_001406770.1); c.1292A>G, p.Lys431Arg (NM_001406769.1, NM_001406772.1); c.1250A>G, p.Lys417Arg (NM_001406771.1, NM_001406773.1); c.1163A>G, p.Lys388Arg (NM_001406774.1); c.962A>G, p.Lys321Arg (NM_001406775.1, NM_001406776.1, NM_001406777.1 and 1 more transcripts); and 5 more; short protein forms K309R, K563R, K221R, K264R, K467R, K168R, K233R, K321R.
Identifiers: ClinVar variation 845462 (VCV000845462.10), dbSNP rs863224777, ClinGen allele CA376551880.

ClinVar aggregate classification (germline): Uncertain significance (1 of 4 stars; one submission).

Conditions:
Multiple endocrine neoplasia, type 2 (MEN2). Identifiers: Orphanet 653, MedGen C4048306, MONDO:0019003. Disease mechanism: gain of function.

Submission:

Labcorp Genetics (formerly Invitae), Labcorp
Classification: Uncertain significance for Multiple endocrine neoplasia, type 2. Last evaluated: 2023-11-09. Review status: criteria provided, single submitter. Criteria: Invitae Variant Classification Sherloc (09022015). Collection method: clinical testing. Allele origin: germline.
Comment: This sequence change replaces lysine, which is basic and polar, with arginine, which is basic and polar, at codon 563 of the RET protein (p.Lys563Arg). This variant is not present in population databases (gnomAD no frequency). This variant has not been reported in the literature in individuals affected with RET-related conditions. ClinVar contains an entry for this variant (Variation ID: 845462). Algorithms developed to predict the effect of missense changes on protein structure and function output the following: SIFT: "Not Available"; PolyPhen-2: "Benign"; Align-GVGD: "Not Available". The arginine amino acid residue is found in multiple mammalian species, which suggests that this missense change does not adversely affect protein function. In summary, the available evidence is currently insufficient to determine the role of this variant in disease. Therefore, it has been classified as a Variant of Uncertain Significance.